The following is an entry in ClinVar:

ClinVar aggregate classification (germline): Benign. Review status: criteria provided, multiple submitters, no conflicts (2 of 4 stars). 2 submissions from 2 submitters: Benign (2). Last evaluated 2018-06-19.

Allele frequency attached by ClinVar (database versions not stated): gnomAD exomes 0.11392; gnomAD 0.14800 and 0.14881; TOPMed 0.14965; 1000 Genomes Project 0.16374; 1000 Genomes Project 30x 0.16537.
gnomAD v4.1: 60,994 of 489,446 alleles (12%); highest among the groups gnomAD compares: African/African-American, 27%; 4,799 homozygotes.

Submissions (2):

GeneDx
Classification: Benign. Last evaluated: 2018-06-19. Review status: criteria provided, single submitter. Criteria: GeneDx Variant Classification (06012015). Collection method: clinical testing. Allele origin: germline. Affected: yes.
Comment: This variant is considered likely benign or benign based on one or more of the following criteria: it is a conservative change, it occurs at a poorly conserved position in the protein, it is predicted to be benign by multiple in silico algorithms, and/or has population frequency not consistent with disease.

Breakthrough Genomics
Classification: Benign. Review status: criteria provided, single submitter. Criteria: ACMG Guidelines, 2015. Collection method: not provided. Allele origin: germline. Inheritance: Autosomal dominant inheritance. Affected: yes.

NM_001276345.2(TNNT2):c.810+278A>G

Gene: TNNT2 (troponin T2, cardiac type; minus strand). Cytogenetic location: 1q32.1.
Variant type: single nucleotide variant.
Coding change: c.810+278A>G on transcript NM_001276345.2 (MANE Select); 278 bases into the intron after coding-DNA position 810, A replaced by G.
Molecular consequence: intron variant.
Genome position (GRCh38, 1-based): chr1:201,361,001, T>C on the plus strand (A>G on the coding strand, the complement: TNNT2 is on the minus strand). VCF-style: chr1-201361001-T-C. GRCh37 (hg19) VCF-style: chr1-201330129-T-C.
Other names: c.762+278A>G (NM_001001432.3); c.771+278A>G (NM_001001431.3); c.780+278A>G (NM_001001430.3, NM_001276347.2); c.681+278A>G (NM_001276346.2); c.801+278A>G (NM_000364.4).
Identifiers: ClinVar variation 668766 (VCV000668766.2), dbSNP rs10920181, ClinGen allele CA10991815.